The following is an entry in ClinVar:

ClinVar aggregate classification (germline): Uncertain significance (1 of 4 stars; one submission).

Submission:

Labcorp Genetics (formerly Invitae), Labcorp
Classification: Uncertain significance. Last evaluated: 2024-01-21. Review status: criteria provided, single submitter. Criteria: Invitae Variant Classification Sherloc (09022015). Collection method: clinical testing. Allele origin: germline.
Comment: This sequence change replaces serine, which is neutral and polar, with arginine, which is basic and polar, at codon 1431 of the COL7A1 protein (p.Ser1431Arg). This variant is not present in population databases (gnomAD no frequency). This variant has not been reported in the literature in individuals affected with COL7A1-related conditions. Advanced modeling of protein sequence and biophysical properties (such as structural, functional, and spatial information, amino acid conservation, physicochemical variation, residue mobility, and thermodynamic stability) performed at Invitae indicates that this missense variant is not expected to disrupt COL7A1 protein function with a negative predictive value of 95%. In summary, the available evidence is currently insufficient to determine the role of this variant in disease. Therefore, it has been classified as a Variant of Uncertain Significance.

NM_000094.4(COL7A1):c.4291A>C (p.Ser1431Arg)

Gene: COL7A1 (collagen type VII alpha 1 chain; minus strand). Cytogenetic location: 3p21.31.
Variant type: single nucleotide variant.
Coding change: c.4291A>C on transcript NM_000094.4 (MANE Select); coding-DNA position 4291, A replaced by C.
Protein change: p.Ser1431Arg; replaces serine 1431 with arginine.
Molecular consequence: missense variant.
Genome position (GRCh38, 1-based): chr3:48,583,768, T>G on the plus strand (A>C on the coding strand, the complement: COL7A1 is on the minus strand). VCF-style: chr3-48583768-T-G. GRCh37 (hg19) VCF-style: chr3-48621201-T-G.
Other names: short protein forms S1431R.
Identifiers: ClinVar variation 2710692 (VCV002710692.3), dbSNP rs369070144, ClinGen allele CA352693671.